The following is an entry in ClinVar:

ClinVar aggregate classification (germline): Likely pathogenic. Review status: criteria provided, single submitter (1 of 4 stars). 2 submissions from 2 submitters: Likely pathogenic (1). 1 of the submissions does not count toward it. Last evaluated 2015-11-11.

Conditions:
MYH6-related disorder. Also called: MYH6-Related Disorders; MYH6-related condition.

Submissions (2):

GeneDx
Classification: Likely pathogenic. Last evaluated: 2015-11-11. Review status: criteria provided, single submitter. Criteria: GeneDx Variant Classification (06012015). Collection method: clinical testing. Allele origin: germline. Affected: yes.
Comment: The P151L variant in the MYH6 gene has not been reported previously as a pathogenic variant, nor as a benign variant, to our knowledge. The P151L variant was not observed in approximately 6500 individuals of European and African American ancestry in the NHLBI Exome Sequencing Project, indicating it is not a common benign variant in these populations. The P151L variant is a semi-conservative amino acid substitution, which may impact secondary protein structure as these residues differ in some properties. This substitution occurs at a position that is conserved across species. In silico analysis predicts this variant is probably damaging to the protein structure/function. The P151L variant is a strong candidate for a pathogenic variant. However, the possibility it may be a rare benign variant cannot be excluded.

PreventionGenetics, part of Exact Sciences
Classification: Uncertain significance for MYH6-related condition. Last evaluated: 2024-09-06. Review status: no assertion criteria provided. Collection method: clinical testing. Allele origin: germline. Not counted in ClinVar's aggregate classification.
Comment: The MYH6 c.452C>T variant is predicted to result in the amino acid substitution p.Pro151Leu. To our knowledge, this variant has not been reported in the literature or in a large population database, indicating this variant is rare. At this time, the clinical significance of this variant is uncertain due to the absence of conclusive functional and genetic evidence.

NM_002471.4(MYH6):c.452C>T (p.Pro151Leu)

Genes: MYH6 (myosin heavy chain 6; minus strand), LOC114827851 (VISTA enhancer hs2155; plus strand). Cytogenetic location: 14q11.2.
Variant type: single nucleotide variant.
Coding change: c.452C>T on transcript NM_002471.4 (MANE Select); coding-DNA position 452, C replaced by T.
Protein change: p.Pro151Leu; replaces proline 151 with leucine.
Molecular consequence: missense variant.
Genome position (GRCh38, 1-based): chr14:23,405,273, G>A on the plus strand (C>T on the coding strand, the complement: MYH6 is on the minus strand). VCF-style: chr14-23405273-G-A. GRCh37 (hg19) VCF-style: chr14-23874482-G-A.
Other names: short protein forms P151L.
Identifiers: ClinVar variation 430224 (VCV000430224.3), dbSNP rs1131691839, ClinGen allele CA389030846.